The following is an entry in ClinVar:

NM_032575.3(GLIS2):c.1256C>T (p.Ser419Leu)

Gene: GLIS2 (GLIS family zinc finger 2; plus strand). Cytogenetic location: 16p13.3.
Variant type: single nucleotide variant.
Coding change: c.1256C>T on transcript NM_032575.3 (MANE Select); coding-DNA position 1256, C replaced by T.
Protein change: p.Ser419Leu; replaces serine 419 with leucine.
Molecular consequence: missense variant.
Genome position (GRCh38, 1-based): chr16:4,337,205, C>T. VCF-style: chr16-4337205-C-T. GRCh37 (hg19) VCF-style: chr16-4387206-C-T.
Other names: c.1256C>T, p.Ser419Leu (NM_001318918.2); short protein forms S419L.
Identifiers: ClinVar variation 884521 (VCV000884521.14), dbSNP rs781541345, ClinGen allele CA7873223.

ClinVar aggregate classification (germline): Uncertain significance. Review status: criteria provided, multiple submitters, no conflicts (2 of 4 stars). 3 submissions from 3 submitters: Uncertain significance (3). Last evaluated 2024-04-20.

Conditions:
Nephronophthisis. Also called: Juvenile Nephronophthisis. Identifiers: Orphanet 655, MedGen C0687120, MONDO:0019005, HP:0000090.
Nephronophthisis 7 (NPHP7). Identifiers: Orphanet 655, MedGen C1969092, MONDO:0012680, OMIM 611498.

Allele frequency attached by ClinVar (database versions not stated): ExAC below 0.00001; gnomAD below 0.00001 and 0.00001; gnomAD exomes 0.00004 and 0.00005; TOPMed 0.00006.

Submissions (3):

Fulgent Genetics
Classification: Uncertain significance for Nephronophthisis 7. Last evaluated: 2024-04-20. Review status: criteria provided, single submitter. Criteria: ACMG Guidelines, 2015. Collection method: clinical testing. Allele origin: germline.

Labcorp Genetics (formerly Invitae), Labcorp
Classification: Uncertain significance for Nephronophthisis. Last evaluated: 2023-08-04. Review status: criteria provided, single submitter. Criteria: Invitae Variant Classification Sherloc (09022015). Collection method: clinical testing. Allele origin: germline.
Comment: ClinVar contains an entry for this variant (Variation ID: 884521). This variant has not been reported in the literature in individuals affected with GLIS2-related conditions. This variant is present in population databases (rs781541345, gnomAD 0.01%). This sequence change replaces serine, which is neutral and polar, with leucine, which is neutral and non-polar, at codon 419 of the GLIS2 protein (p.Ser419Leu). In summary, the available evidence is currently insufficient to determine the role of this variant in disease. Therefore, it has been classified as a Variant of Uncertain Significance. Experimental studies and prediction algorithms are not available or were not evaluated, and the functional significance of this variant is currently unknown.

Illumina Laboratory Services, Illumina
Classification: Uncertain significance for Nephronophthisis 7. Last evaluated: 2018-01-13. Review status: criteria provided, single submitter. Criteria: ICSL Variant Classification Criteria 13 December 2019. Collection method: clinical testing. Allele origin: germline.